The following is an entry in ClinVar:

NM_020791.4(TAOK1):c.545T>C (p.Phe182Ser)

Gene: TAOK1 (TAO kinase 1; plus strand). Cytogenetic location: 17q11.2.
Variant type: single nucleotide variant.
Coding change: c.545T>C on transcript NM_020791.4 (MANE Select); coding-DNA position 545, T replaced by C.
Protein change: p.Phe182Ser; replaces phenylalanine 182 with serine.
Molecular consequence: missense variant.
Genome position (GRCh38, 1-based): chr17:29,480,463, T>C. VCF-style: chr17-29480463-T-C. GRCh37 (hg19) VCF-style: chr17-27807481-T-C.
Other names: c.545T>C, p.Phe182Ser (NM_025142.1); short protein forms F182S.
Identifiers: ClinVar variation 4883347 (VCV004883347.2).
Genomic context (GRCh38, chr17:29,480,463, plus strand): 5'-CAGGCCAGGTGAAACTTGCTGACTTTGGCTCTGCTTCCATGGCATCACCTGCCAATTCCT[T>C]TGTGGGAACGCCGTATTGGTAAGAATAGTTAAAGCAGTCAGCAGCTGTTTTAAGTGTCTG-3'
Protein context (NP_065842.1, residues 172-192): SASMASPANS[Phe182Ser]VGTPYWMAPE

ClinVar aggregate classification (germline): Uncertain significance (1 of 4 stars; one submission).

Conditions:
Developmental delay with or without intellectual impairment or behavioral abnormalities. Identifiers: MedGen C5562004, MONDO:0859199, OMIM 619575.

Submission:

Dasa
Classification: Uncertain significance for developmental delay with or without intellectual impairment or behavioral abnormalities. Last evaluated: 2025-03-05. Review status: criteria provided, single submitter. Criteria: DASA Assertion Criteria. Collection method: clinical testing. Allele origin: germline.
Comment: NM_020791.4(TAOK1):c.545T>C (p.Phe182Ser) is a missense variant that results in the substitution of phenylalanine with serine. This variant is absent from population databases. Computational prediction algorithms are consistent with a deleterious effect. The currently available literature and clinical evidence are not sufficient to establish a definitive association between this variant and the reported condition. Therefore, this variant is classified as a variant of uncertain significance.